The following is an entry in ClinVar:

ClinVar aggregate classification (germline): Likely benign. Review status: criteria provided, single submitter (1 of 4 stars). 2 submissions from 2 submitters: Likely benign (1). 1 of the submissions does not count toward it. Last evaluated 2022-08-15.

Conditions:
DOCK8-related disorder. Also called: DOCK8-related condition.
Combined immunodeficiency due to DOCK8 deficiency (HIES2). Also called: Hyper-IgE recurrent infection syndrome, autosomal recessive; DOCK8 Deficiency; HIES autosomal recessive; HYPER-IgE RECURRENT INFECTION SYNDROME 2, AUTOSOMAL RECESSIVE; HYPER-IgE SYNDROME 2, AUTOSOMAL RECESSIVE, WITH RECURRENT INFECTIONS. Identifiers: Orphanet 217390, MedGen C4722305, MONDO:0009478, OMIM 243700.

Allele frequency attached by ClinVar (database versions not stated): gnomAD exomes below 0.00001; ExAC 0.00001.
gnomAD v4.1: 2 of 1,614,184 alleles (0.00012%); highest among the groups gnomAD compares: South Asian, 0.0011%; no homozygotes.

Submissions (2):

Labcorp Genetics (formerly Invitae), Labcorp
Classification: Likely benign for Combined immunodeficiency due to DOCK8 deficiency. Last evaluated: 2022-08-15. Review status: criteria provided, single submitter. Criteria: Invitae Variant Classification Sherloc (09022015). Collection method: clinical testing. Allele origin: germline.

PreventionGenetics, part of Exact Sciences
Classification: Likely benign for DOCK8-related condition. Last evaluated: 2024-03-26. Review status: no assertion criteria provided. Collection method: clinical testing. Allele origin: germline. Not counted in ClinVar's aggregate classification.
Comment: This variant is classified as likely benign based on ACMG/AMP sequence variant interpretation guidelines (Richards et al. 2015 PMID: 25741868, with internal and published modifications).

NM_203447.4(DOCK8):c.2994A>G (p.Val998=)

Gene: DOCK8 (dedicator of cytokinesis 8; plus strand). Cytogenetic location: 9p24.3.
Variant type: single nucleotide variant.
Coding change: c.2994A>G on transcript NM_203447.4 (MANE Select); coding-DNA position 2994, A replaced by G.
Protein change: p.Val998=; no amino-acid change (valine 998 retained).
Molecular consequence: synonymous variant.
Genome position (GRCh38, 1-based): chr9:396,808, A>G. VCF-style: chr9-396808-A-G. GRCh37 (hg19) VCF-style: chr9-396808-A-G.
Other names: c.2694A>G, p.Val898= (NM_001190458.2); c.2790A>G, p.Val930= (NM_001193536.2); c.2994A>G (NM_203447.3).
Identifiers: ClinVar variation 1532005 (VCV001532005.9), dbSNP rs781009861, ClinGen allele CA4958463.